The following is an entry in ClinVar:

ClinVar aggregate classification (germline): Uncertain significance. Review status: criteria provided, multiple submitters, no conflicts (2 of 4 stars). 2 submissions from 2 submitters: Uncertain significance (2). Last evaluated 2024-04-10.

Conditions:
Inborn genetic diseases. Identifiers: MedGen C0950123, MeSH D030342.
Autosomal dominant Parkinson disease 8. Also called: LRRK2-Related Parkinson Disease; Parkinson disease 8; Parkinson disease 8, susceptibility to. Identifiers: Orphanet 411602, MedGen C1846862, MONDO:0011764, OMIM 607060.

Submissions (2):

Ambry Genetics
Classification: Uncertain significance for Inborn genetic diseases. Last evaluated: 2024-04-10. Review status: criteria provided, single submitter. Criteria: Ambry Variant Classification Scheme 2023. Collection method: clinical testing. Allele origin: germline.
Comment: The p.I2274M variant (also known as c.6822T>G), located in coding exon 46 of the LRRK2 gene, results from a T to G substitution at nucleotide position 6822. The isoleucine at codon 2274 is replaced by methionine, an amino acid with highly similar properties. This amino acid position is conserved. In addition, this alteration is predicted to be tolerated by in silico analysis. Since supporting evidence is limited at this time, the clinical significance of this alteration remains unclear.

Labcorp Genetics (formerly Invitae), Labcorp
Classification: Uncertain significance for Autosomal dominant Parkinson disease 8. Last evaluated: 2023-10-06. Review status: criteria provided, single submitter. Criteria: Invitae Variant Classification Sherloc (09022015). Collection method: clinical testing. Allele origin: germline.
Comment: This sequence change replaces isoleucine, which is neutral and non-polar, with methionine, which is neutral and non-polar, at codon 2274 of the LRRK2 protein (p.Ile2274Met). This variant is not present in population databases (gnomAD no frequency). This variant has not been reported in the literature in individuals affected with LRRK2-related conditions. ClinVar contains an entry for this variant (Variation ID: 1755647). Advanced modeling of protein sequence and biophysical properties (such as structural, functional, and spatial information, amino acid conservation, physicochemical variation, residue mobility, and thermodynamic stability) has been performed at Invitae for this missense variant, however the output from this modeling did not meet the statistical confidence thresholds required to predict the impact of this variant on LRRK2 protein function. In summary, the available evidence is currently insufficient to determine the role of this variant in disease. Therefore, it has been classified as a Variant of Uncertain Significance.

NM_198578.4(LRRK2):c.6822T>G (p.Ile2274Met)

Gene: LRRK2 (leucine rich repeat kinase 2; plus strand). Cytogenetic location: 12q12.
Variant type: single nucleotide variant.
Coding change: c.6822T>G on transcript NM_198578.4 (MANE Select); coding-DNA position 6822, T replaced by G.
Protein change: p.Ile2274Met; replaces isoleucine 2274 with methionine.
Molecular consequence: missense variant.
Genome position (GRCh38, 1-based): chr12:40,356,166, T>G. VCF-style: chr12-40356166-T-G. GRCh37 (hg19) VCF-style: chr12-40749968-T-G.
Other names: short protein forms I2274M.
Identifiers: ClinVar variation 1755647 (VCV001755647.6), dbSNP rs2500000560, ClinGen allele CA384410210.